The following is an entry in ClinVar:

ClinVar aggregate classification (germline): Pathogenic/Likely pathogenic. Review status: criteria provided, multiple submitters, no conflicts (2 of 4 stars). 4 submissions from 4 submitters: Pathogenic (3); Likely pathogenic (1). Last evaluated 2026-10-09.

Conditions:
SLC12A2-related disorder. Also called: SLC12A2-related condition; SLC12A2-related disorders.
Inborn genetic diseases. Identifiers: MedGen C0950123, MeSH D030342.

Submissions (4):

GeneDx
Classification: Pathogenic. Last evaluated: 2026-10-09. Review status: criteria provided, single submitter. Criteria: GeneDx Variant Classification Process June 2021. Collection method: clinical testing. Allele origin: germline.
Comment: Frameshift variant predicted to result in protein truncation or nonsense mediated decay in a gene for which loss of function is a known mechanism of disease; Not observed at significant frequency in large population cohorts (gnomAD); Has not been previously published as pathogenic or benign to our knowledge

Labcorp Genetics (formerly Invitae), Labcorp
Classification: Pathogenic. Last evaluated: 2025-12-16. Review status: criteria provided, single submitter. Criteria: Invitae Variant Classification Sherloc (09022015). Collection method: clinical testing. Allele origin: germline.
Comment: This sequence change creates a premature translational stop signal (p.Phe1104Leufs*23) in the SLC12A2 gene. It is expected to result in an absent or disrupted protein product. Loss-of-function variants in SLC12A2 are known to be pathogenic (PMID: 28940097, 30740830, 32754646). This variant is not present in population databases (gnomAD no frequency). This variant has not been reported in the literature in individuals affected with SLC12A2-related conditions. ClinVar contains an entry for this variant (Variation ID: 2062696). For these reasons, this variant has been classified as Pathogenic.

Variantyx, Inc.
Classification: Likely pathogenic for SLC12A2-related disorders. Last evaluated: 2025-03-26. Review status: criteria provided, single submitter. Criteria: Variantyx Assertion Criteria 2022. Collection method: clinical testing. Allele origin: maternal. Inheritance: Autosomal recessive inheritance.
Comment: This is a frameshift variant in the SLC12A2 gene (OMIM: 600840). Pathogenic variants in this gene have been associated with autosomal recessive SLC12A2-related disorders. This variant introduces a premature termination codon in exon 25 out of 27 and is expected to result in loss of function, which is a known disease mechanism for SLC12A2 in this disorder (PMID: 32754646, 30740830, 28940097) (PVS1). This variant has a 0.0004% maximum allele frequency in non-founder control populations (PM2). Based on the current evidence, this variant is classified as likely pathogenic for autosomal recessive SLC12A2-related disorders.

Ambry Genetics
Classification: Pathogenic for Inborn genetic diseases. Last evaluated: 2021-08-04. Review status: criteria provided, single submitter. Criteria: Ambry Variant Classification Scheme 2023. Collection method: clinical testing. Allele origin: germline.
Comment: The c.3312delT (p.F1104Lfs*23) alteration, located in exon 25 (coding exon 25) of the SLC12A2 gene, consists of a deletion of one nucleotide at position 3312, causing a translational frameshift with a predicted alternate stop codon after 23 amino acids. This alteration is expected to result in loss of function by premature protein truncation or nonsense-mediated mRNA decay. This variant was not reported in population-based cohorts in the Genome Aggregation Database (gnomAD). Based on the available evidence, this alteration is classified as pathogenic.

Literature cited by the submitters: PubMed 28940097 (cited by Labcorp Genetics (formerly Invitae), Labcorp and Variantyx, Inc.); PubMed 30740830 (cited by Labcorp Genetics (formerly Invitae), Labcorp and Variantyx, Inc.); PubMed 32754646 (cited by Labcorp Genetics (formerly Invitae), Labcorp); PubMed 2754646 (cited by Variantyx, Inc.).

NM_001046.3(SLC12A2):c.3312del (p.Phe1104fs)

Gene: SLC12A2 (solute carrier family 12 member 2; plus strand). Cytogenetic location: 5q23.3.
Variant type: Deletion.
Coding change: c.3312del on transcript NM_001046.3 (MANE Select); coding-DNA position 3312, one base deleted (T; older notation c.3312delT).
Protein change: p.Phe1104fs; shifts the reading frame from phenylalanine 1104.
Molecular consequence: frameshift variant. On other transcripts: non-coding transcript variant (1).
Genome position (GRCh38, 1-based): chr5:128,184,378, T deleted; the last of 4 consecutive T bases (chr5:128,184,375-128,184,378); deleting any one gives the same sequence. VCF-style (leftmost placement, unchanged base first): chr5-128184374-CT-C. GRCh37 (hg19) VCF-style: chr5-127520066-CT-C.
Other names: c.3312del (NM_001046.2); c.3312delT (NM_001046.2); c.3264del, p.Phe1088fs (NM_001256461.2); short protein forms F1088fs, F1104fs.
Identifiers: ClinVar variation 2062696 (VCV002062696.8), dbSNP rs1763801693, ClinGen allele CA913108193.